The following is an entry in ClinVar:

ClinVar aggregate classification (germline): Conflicting classifications of pathogenicity. Review status: criteria provided, conflicting classifications (1 of 4 stars). 5 submissions from 5 submitters: Uncertain significance (1); Benign (1); Likely benign (2). 1 of the submissions does not count toward it. Last evaluated 2025-10-20.

Conditions:
KCNH1-related disorder. Also called: KCNH1-related disorders; KCNH1-related condition.
Inborn genetic diseases. Identifiers: MedGen C0950123, MeSH D030342.
Zimmermann-Laband syndrome 1 (ZLS1). Identifiers: Orphanet 3473, MedGen C4551773, MONDO:0024526, OMIM 135500.
Temple-Baraitser syndrome (TMBTS). Also called: Severe mental retardation and absent nails of hallux and pollex. Identifiers: Orphanet 420561, MedGen C2678486, MONDO:0012735, OMIM 611816.

Allele frequency attached by ClinVar (database versions not stated): ExAC 0.00007; gnomAD exomes 0.00008 and 0.00018; TOPMed 0.00014; ESP Exome Variant Server 0.00023.
gnomAD v4.1: 267 of 1,516,288 alleles (0.018%); highest among the groups gnomAD compares: Non-Finnish European, 0.023%; no homozygotes.

Submissions (5):

Labcorp Genetics (formerly Invitae), Labcorp
Classification: Benign. Last evaluated: 2025-10-20. Review status: criteria provided, single submitter. Criteria: Invitae Variant Classification Sherloc (09022015). Collection method: clinical testing. Allele origin: germline.

CeGaT Center for Human Genetics Tuebingen
Classification: Likely benign. Last evaluated: 2023-08-01. Review status: criteria provided, single submitter. Criteria: CeGaT Center For Human Genetics Tuebingen Variant Classification Criteria Version 2. Collection method: clinical testing. Allele origin: germline. Affected: yes. Observed: 2 variant alleles.
Comment: KCNH1: PP2, BS2

Ambry Genetics
Classification: Likely benign for Inborn genetic diseases. Last evaluated: 2022-12-13. Review status: criteria provided, single submitter. Criteria: Ambry Variant Classification Scheme 2023. Collection method: clinical testing. Allele origin: germline.

Center for Genomics, Ann and Robert H. Lurie Children's Hospital of Chicago
Classification: Uncertain significance for Zimmermann-Laband syndrome 1; Temple-Baraitser syndrome. Review status: criteria provided, single submitter. Criteria: ACMG Guidelines, 2015. Collection method: clinical testing. Allele origin: germline.
Comment: This variant has not been reported in the literature but is present in the Genome Aggregation Database (Highest reported MAF 0.02% (17/68020). Evolutionary conservation and computational predictive tools suggest that this variant may not impact the protein. In summary, data on this variant is insufficient for disease classification. Therefore, the clinical significance of this variant is uncertain.

PreventionGenetics, part of Exact Sciences
Classification: Likely benign for KCNH1-related condition. Last evaluated: 2024-08-23. Review status: no assertion criteria provided. Collection method: clinical testing. Allele origin: germline. Not counted in ClinVar's aggregate classification.
Comment: This variant is classified as likely benign based on ACMG/AMP sequence variant interpretation guidelines (Richards et al. 2015 PMID: 25741868, with internal and published modifications).

NM_172362.3(KCNH1):c.2162T>C (p.Met721Thr)

Gene: KCNH1 (potassium voltage-gated channel subfamily H member 1; minus strand). Cytogenetic location: 1q32.2.
Variant type: single nucleotide variant.
Coding change: c.2162T>C on transcript NM_172362.3 (MANE Select); coding-DNA position 2162, T replaced by C.
Protein change: p.Met721Thr; replaces methionine 721 with threonine.
Molecular consequence: missense variant.
Genome position (GRCh38, 1-based): chr1:210,684,089, A>G on the plus strand (T>C on the coding strand, the complement: KCNH1 is on the minus strand). VCF-style: chr1-210684089-A-G. GRCh37 (hg19) VCF-style: chr1-210857431-A-G.
Other names: c.2162T>C (NM_172362.2); c.2081T>C, p.Met694Thr (NM_002238.4); short protein forms M694T, M721T.
Identifiers: ClinVar variation 1600068 (VCV001600068.35), dbSNP rs140043333, ClinGen allele CA1379742.